The following is an entry in ClinVar:

ClinVar aggregate classification (germline): Pathogenic (1 of 4 stars; one submission).

Conditions:
Peroxisome biogenesis disorder 5A (Zellweger) (PBD5A). Identifiers: Orphanet 912, MedGen C3553940, MONDO:0013932, OMIM 614866.

Allele frequency attached by ClinVar (database versions not stated): gnomAD exomes below 0.00001.
gnomAD v4.1: 1 of 1,614,180 alleles (0.000062%); highest among the groups gnomAD compares: Non-Finnish European, 0.000085%; no homozygotes.

Submission:

Labcorp Genetics (formerly Invitae), Labcorp
Classification: Pathogenic for Peroxisome biogenesis disorder 5A (Zellweger). Last evaluated: 2021-10-14. Review status: criteria provided, single submitter. Criteria: Invitae Variant Classification Sherloc (09022015). Collection method: clinical testing. Allele origin: germline.
Comment: For these reasons, this variant has been classified as Pathogenic. This variant disrupts a region of the PEX2 protein in which other variant(s) (p.Lys215Serfs*2) have been determined to be pathogenic (PMID: 10652207; Invitae). This suggests that this is a clinically significant region of the protein, and that variants that disrupt it are likely to be disease-causing. This variant has not been reported in the literature in individuals affected with PEX2-related conditions. This variant is not present in population databases (ExAC no frequency). This sequence change creates a premature translational stop signal (p.Leu129*) in the PEX2 gene. While this is not anticipated to result in nonsense mediated decay, it is expected to disrupt the last 177 amino acid(s) of the PEX2 protein.

Literature cited by the submitters: PubMed 10652207.

NM_000318.3(PEX2):c.386T>A (p.Leu129Ter)

Gene: PEX2 (peroxisomal biogenesis factor 2; minus strand). Cytogenetic location: 8q21.13.
Variant type: single nucleotide variant.
Coding change: c.386T>A on transcript NM_000318.3 (MANE Select); coding-DNA position 386, T replaced by A.
Protein change: p.Leu129Ter; replaces leucine 129 with a stop codon.
Molecular consequence: nonsense.
Genome position (GRCh38, 1-based): chr8:76,983,793, A>T on the plus strand (T>A on the coding strand, the complement: PEX2 is on the minus strand). VCF-style: chr8-76983793-A-T. GRCh37 (hg19) VCF-style: chr8-77896029-A-T.
Other names: c.386T>A, p.Leu129Ter (NM_001079867.2, NM_001172086.2, NM_001172087.2); short protein forms L129*.
Identifiers: ClinVar variation 1440447 (VCV001440447.6), dbSNP rs1224224276, ClinGen allele CA371557456.